The following is an entry in ClinVar:

ClinVar aggregate classification (germline): Benign/Likely benign. Review status: criteria provided, multiple submitters, no conflicts (2 of 4 stars). 8 submissions from 7 submitters: Benign (6); Likely benign (1). 1 of the submissions does not count toward it. Last evaluated 2024-11-26.

Conditions:
Emery-Dreifuss muscular dystrophy 4, autosomal dominant (EDMD4). Also called: EMERY-DREIFUSS MUSCULAR DYSTROPHY 4 WITH VARIABLE FEATURES. Identifiers: Orphanet 261, MedGen C2751807, MONDO:0013071, OMIM 612998.
Autosomal recessive ataxia, Beauce type. Also called: SYNE1 Deficiency; Spinocerebellar ataxia, autosomal recessive 8; ATAXIA, RECESSIVE, OF BEAUCE; SYNE1-Related Autosomal Recessive Cerebellar Ataxia. Identifiers: Orphanet 88644, MedGen C1853116, MONDO:0012549, OMIM 610743.

Allele frequency attached by ClinVar (database versions not stated): gnomAD 0.07062 and 0.07185; TOPMed 0.07406; gnomAD exomes 0.07484; ExAC 0.07619; 1000 Genomes Project 30x 0.08713; 1000 Genomes Project 0.08766.
gnomAD v4.1: 126,527 of 1,613,544 alleles (7.8%); highest among the groups gnomAD compares: East Asian, 11%; 5,201 homozygotes.

Submissions (8):

Blueprint Genetics
Classification: Likely benign. Last evaluated: 2024-11-26. Review status: criteria provided, single submitter. Criteria: ACMG Guidelines, 2015. Collection method: clinical testing. Allele origin: germline.

Labcorp Genetics (formerly Invitae), Labcorp
Classification: Benign for Emery-Dreifuss muscular dystrophy 4, autosomal dominant; Autosomal recessive ataxia, Beauce type. Last evaluated: 2022-12-31. Review status: criteria provided, single submitter. Criteria: Invitae Variant Classification Sherloc (09022015). Collection method: clinical testing. Allele origin: germline.

Mayo Clinic Laboratories, Mayo Clinic
Classification: Benign. Last evaluated: 2018-05-09. Review status: criteria provided, single submitter. Criteria: ACMG Guidelines, 2015. Collection method: clinical testing. Allele origin: germline. Observed: 142 variant alleles.

Illumina Laboratory Services, Illumina
Classification: Benign for Emery-Dreifuss muscular dystrophy 4, autosomal dominant. Last evaluated: 2018-01-12. Review status: criteria provided, single submitter. Criteria: ICSL Variant Classification Criteria 13 December 2019. Collection method: clinical testing. Allele origin: germline.
Comment: This variant was observed in the ICSL laboratory as part of a predisposition screen in an ostensibly healthy population. It had not been previously curated by ICSL or reported in the Human Gene Mutation Database (HGMD: prior to June 1st, 2018), and was therefore a candidate for classification through an automated scoring system. Utilizing variant allele frequency, disease prevalence and penetrance estimates, and inheritance mode, an automated score was calculated to assess if this variant is too frequent to cause the disease. Based on the score and internal cut-off values, a variant classified as benign is not then subjected to further curation. The score for this variant resulted in a classification of benign for this disease.

Illumina Laboratory Services, Illumina
Classification: Benign for Autosomal recessive ataxia, Beauce type. Last evaluated: 2018-01-12. Review status: criteria provided, single submitter. Criteria: ICSL Variant Classification Criteria 13 December 2019. Collection method: clinical testing. Allele origin: germline.
Comment: the same text as in the submission from Illumina Laboratory Services, Illumina above.

Eurofins Ntd Llc (ga)
Classification: Benign. Last evaluated: 2016-07-14. Review status: criteria provided, single submitter. Criteria: EGL Classification Definitions 2015. Collection method: clinical testing. Allele origin: germline.

GeneDx
Classification: Benign. Last evaluated: 2016-02-23. Review status: criteria provided, single submitter. Criteria: GeneDx Variant Classification (06012015). Collection method: clinical testing. Allele origin: germline. Affected: yes.
Comment: This variant is considered likely benign or benign based on one or more of the following criteria: it is a conservative change, it occurs at a poorly conserved position in the protein, it is predicted to be benign by multiple in silico algorithms, and/or has population frequency not consistent with disease.

Genetic Services Laboratory, University of Chicago
Classification: Likely benign for AllHighlyPenetrant. Review status: no assertion criteria provided. Collection method: clinical testing. Allele origin: germline. Inheritance: Autosomal dominant inheritance. Not counted in ClinVar's aggregate classification.
Comment: Likely benign based on allele frequency in 1000 Genomes Project or ESP global frequency and its presence in a patient with a rare or unrelated disease phenotype. NOT Sanger confirmed.

NM_182961.4(SYNE1):c.12363G>T (p.Lys4121Asn)

Gene: SYNE1 (spectrin repeat containing nuclear envelope protein 1; minus strand). Cytogenetic location: 6q25.2.
Variant type: single nucleotide variant.
Coding change: c.12363G>T on transcript NM_182961.4 (MANE Select); coding-DNA position 12363, G replaced by T.
Protein change: p.Lys4121Asn; replaces lysine 4121 with asparagine.
Molecular consequence: missense variant.
Genome position (GRCh38, 1-based): chr6:152,337,006, C>A on the plus strand (G>T on the coding strand, the complement: SYNE1 is on the minus strand). VCF-style: chr6-152337006-C-A. GRCh37 (hg19) VCF-style: chr6-152658141-C-A.
Other names: p.Lys4050Asn; c.12150G>T, p.Lys4050Asn (NM_033071.5); short protein forms K4050N, K4121N.
Identifiers: ClinVar variation 130400 (VCV000130400.23), dbSNP rs28385621, ClinGen allele CA155349.